The following is an entry in ClinVar:

NM_004525.3(LRP2):c.2248G>A (p.Ala750Thr)

Gene: LRP2 (LDL receptor related protein 2; minus strand). Cytogenetic location: 2q31.1.
Variant type: single nucleotide variant.
Coding change: c.2248G>A on transcript NM_004525.3 (MANE Select); coding-DNA position 2248, G replaced by A.
Protein change: p.Ala750Thr; replaces alanine 750 with threonine.
Molecular consequence: missense variant.
Genome position (GRCh38, 1-based): chr2:169,270,976, C>T on the plus strand (G>A on the coding strand, the complement: LRP2 is on the minus strand). VCF-style: chr2-169270976-C-T. GRCh37 (hg19) VCF-style: chr2-170127486-C-T.
Other names: c.2248G>A (NM_004525.2); short protein forms A750T.
Identifiers: ClinVar variation 1359424 (VCV001359424.6), dbSNP rs779934241, ClinGen allele CA1955345.
Genomic context (GRCh38, chr2:169,270,976, plus strand): 5'-TCTTTTGCTTAAAAATCATGTGTTTTGACATATCTGAAAAAAAGATAGTGCTGTCCTGGG[C>T]GTCAAAATCAATCCCGACAAAGAAAGAAGGATTCCCCGAAACTGGAACCATGACATCTTC-3'
Protein context (NP_004516.2, residues 740-760): PSFFVGIDFD[Ala750Thr]QDSTIFFSDM

ClinVar aggregate classification (germline): Uncertain significance. Review status: criteria provided, multiple submitters, no conflicts (2 of 4 stars). 4 submissions from 4 submitters: Uncertain significance (4). Last evaluated 2024-05-28.

Conditions:
Inborn genetic diseases. Identifiers: MedGen C0950123, MeSH D030342.
Donnai-Barrow syndrome. Also called: DBS/FOAR SYNDROME; FACIOOCULOACOUSTICORENAL SYNDROME. Identifiers: Orphanet 2143, MedGen C1857277, MONDO:0009104, OMIM 222448.

Allele frequency attached by ClinVar (database versions not stated): gnomAD exomes 0.00001; ExAC 0.00002; gnomAD 0.00003.
gnomAD v4.1: 28 of 1,613,038 alleles (0.0017%); highest among the groups gnomAD compares: Non-Finnish European, 0.002%; no homozygotes.

Submissions (4):

Fulgent Genetics
Classification: Uncertain significance for Donnai-Barrow syndrome. Last evaluated: 2024-05-28. Review status: criteria provided, single submitter. Criteria: ACMG Guidelines, 2015. Collection method: clinical testing. Allele origin: germline.

Blueprint Genetics
Classification: Uncertain significance. Last evaluated: 2024-05-03. Review status: criteria provided, single submitter. Criteria: ACMG Guidelines, 2015. Collection method: clinical testing. Allele origin: germline.

Ambry Genetics
Classification: Uncertain significance for Inborn genetic diseases. Last evaluated: 2022-04-07. Review status: criteria provided, single submitter. Criteria: Ambry Variant Classification Scheme 2023. Collection method: clinical testing. Allele origin: germline.

Labcorp Genetics (formerly Invitae), Labcorp
Classification: Uncertain significance. Last evaluated: 2021-09-24. Review status: criteria provided, single submitter. Criteria: Invitae Variant Classification Sherloc (09022015). Collection method: clinical testing. Allele origin: germline.
Comment: This sequence change replaces alanine with threonine at codon 750 of the LRP2 protein (p.Ala750Thr). The alanine residue is highly conserved and there is a small physicochemical difference between alanine and threonine. This variant is present in population databases (rs779934241, ExAC 0.01%). This variant has not been reported in the literature in individuals affected with LRP2-related conditions. Advanced modeling of protein sequence and biophysical properties (such as structural, functional, and spatial information, amino acid conservation, physicochemical variation, residue mobility, and thermodynamic stability) performed at Invitae indicates that this missense variant is expected to disrupt LRP2 protein function. In summary, the available evidence is currently insufficient to determine the role of this variant in disease. Therefore, it has been classified as a Variant of Uncertain Significance.